The following is an entry in ClinVar:

NM_001005273.3(CHD3):c.3221A>G (p.Glu1074Gly)

Gene: CHD3 (chromodomain helicase DNA binding protein 3; plus strand). Cytogenetic location: 17p13.1.
Variant type: single nucleotide variant.
Coding change: c.3221A>G on transcript NM_001005273.3 (MANE Select); coding-DNA position 3221, A replaced by G.
Protein change: p.Glu1074Gly; replaces glutamic acid 1074 with glycine.
Molecular consequence: missense variant.
Genome position (GRCh38, 1-based): chr17:7,901,344, A>G. VCF-style: chr17-7901344-A-G. GRCh37 (hg19) VCF-style: chr17-7804662-A-G.
Other names: c.3398A>G, p.Glu1133Gly (NM_001005271.3); c.3221A>G, p.Glu1074Gly (NM_005852.4); short protein forms E1074G, E1133G.
Identifiers: ClinVar variation 3030750 (VCV003030750.2), dbSNP rs1392064473, ClinGen allele CA397941359.
Genomic context (GRCh38, chr17:7,901,344, plus strand): 5'-CACTTATTAAGTCGTCTGGGAAGCTCATGCTGCTCCAGAAGATGCTGCGAAAGCTGAAGG[A>G]GCAAGGACACCGAGTGCTCATCTTCTCGCAGGTGACCTGTGCCCTTAGCTGTCTTTACAT-3'
Protein context (NP_001005273.1, residues 1064-1084): LLQKMLRKLK[Glu1074Gly]QGHRVLIFSQ

ClinVar aggregate classification (germline): Uncertain significance (0 of 4 stars; one submission).

Conditions:
CHD3-related disorder. Also called: CHD3-related condition.

Allele frequency attached by ClinVar (database versions not stated): TOPMed below 0.00001; gnomAD 0.00001.
gnomAD v4.1: 29 of 1,613,300 alleles (0.0018%); highest among the groups gnomAD compares: Non-Finnish European, 0.0021%; no homozygotes.

Submission:

PreventionGenetics, part of Exact Sciences
Classification: Uncertain significance for CHD3-related condition. Last evaluated: 2023-11-14. Review status: no assertion criteria provided. Collection method: clinical testing. Allele origin: germline.
Comment: The CHD3 c.3398A>G variant is predicted to result in the amino acid substitution p.Glu1133Gly. To our knowledge, this variant has not been reported in the literature. This variant is reported in 0.0018% of alleles in individuals of European (Non-Finnish) descent in gnomAD. At this time, the clinical significance of this variant is uncertain due to the absence of conclusive functional and genetic evidence.